The following is an entry in ClinVar:

ClinVar aggregate classification (germline): Uncertain significance. Review status: criteria provided, multiple submitters, no conflicts (2 of 4 stars). 5 submissions from 5 submitters: Uncertain significance (3). 2 of the submissions do not count toward it. Last evaluated 2024-10-24.

Conditions:
RPGRIP1L-related disorder. Also called: RPGRIP1L-related disorders; RPGRIP1L-related condition. Identifiers: MedGen CN239416.
Inborn genetic diseases. Identifiers: MedGen C0950123, MeSH D030342.
Joubert syndrome. Also called: JOUBERT-BOLTSHAUSER SYNDROME; Familial aplasia of the vermis. Identifiers: Orphanet 475, MedGen C5979921, MONDO:0018772.
Meckel-Gruber syndrome. Also called: DYSENCEPHALIA SPLANCHNOCYSTICA; GRUBER SYNDROME; Dysencephalia splachnocystica. Identifiers: Orphanet 564, MedGen C0265215, MONDO:0018921.

Allele frequency attached by ClinVar (database versions not stated): ExAC 0.00007; ESP Exome Variant Server 0.00015; TOPMed 0.00002; gnomAD exomes 0.00006.
gnomAD v4.1: 64 of 1,609,916 alleles (0.004%); highest among the groups gnomAD compares: South Asian, 0.042%; 1 homozygote.

Submissions (5):

Labcorp Genetics (formerly Invitae), Labcorp
Classification: Uncertain significance for Joubert syndrome; Meckel-Gruber syndrome. Last evaluated: 2024-10-24. Review status: criteria provided, single submitter. Criteria: Invitae Variant Classification Sherloc (09022015). Collection method: clinical testing. Allele origin: germline.
Comment: This sequence change replaces isoleucine, which is neutral and non-polar, with threonine, which is neutral and polar, at codon 466 of the RPGRIP1L protein (p.Ile466Thr). This variant is present in population databases (rs199786347, gnomAD 0.03%). This variant has not been reported in the literature in individuals affected with RPGRIP1L-related conditions. ClinVar contains an entry for this variant (Variation ID: 839026). Invitae Evidence Modeling of protein sequence and biophysical properties (such as structural, functional, and spatial information, amino acid conservation, physicochemical variation, residue mobility, and thermodynamic stability) indicates that this missense variant is not expected to disrupt RPGRIP1L protein function with a negative predictive value of 80%. In summary, the available evidence is currently insufficient to determine the role of this variant in disease. Therefore, it has been classified as a Variant of Uncertain Significance.

Blueprint Genetics
Classification: Uncertain significance. Last evaluated: 2023-11-20. Review status: criteria provided, single submitter. Criteria: ACMG Guidelines, 2015. Collection method: clinical testing. Allele origin: germline.

Ambry Genetics
Classification: Uncertain significance for Inborn genetic diseases. Last evaluated: 2023-05-31. Review status: criteria provided, single submitter. Criteria: Ambry Variant Classification Scheme 2023. Collection method: clinical testing. Allele origin: germline.

PreventionGenetics, part of Exact Sciences
Classification: Uncertain significance for RPGRIP1L-related condition. Last evaluated: 2024-03-19. Review status: no assertion criteria provided. Collection method: clinical testing. Allele origin: germline. Not counted in ClinVar's aggregate classification.
Comment: The RPGRIP1L c.1397T>C variant is predicted to result in the amino acid substitution p.Ile466Thr. To our knowledge, this variant has not been reported in the literature. This variant is reported in 0.033% of alleles in individuals of South Asian descent in gnomAD. At this time, the clinical significance of this variant is uncertain due to the absence of conclusive functional and genetic evidence.

Natera, Inc.
Classification: Uncertain significance for Joubert syndrome. Last evaluated: 2020-12-22. Review status: no assertion criteria provided. Collection method: clinical testing. Allele origin: germline. Not counted in ClinVar's aggregate classification.

NM_015272.5(RPGRIP1L):c.1397T>C (p.Ile466Thr)

Gene: RPGRIP1L (RPGRIP1 like; minus strand). Cytogenetic location: 16q12.2.
Variant type: single nucleotide variant.
Coding change: c.1397T>C on transcript NM_015272.5 (MANE Select); coding-DNA position 1397, T replaced by C.
Protein change: p.Ile466Thr; replaces isoleucine 466 with threonine.
Molecular consequence: missense variant.
Genome position (GRCh38, 1-based): chr16:53,658,418, A>G on the plus strand (T>C on the coding strand, the complement: RPGRIP1L is on the minus strand). VCF-style: chr16-53658418-A-G. GRCh37 (hg19) VCF-style: chr16-53692330-A-G.
Other names: c.1397T>C, p.Ile466Thr (NM_001127897.4, NM_001308334.3, NM_001330538.2); c.1397T>C (NM_015272.4); short protein forms I466T.
Identifiers: ClinVar variation 839026 (VCV000839026.9), dbSNP rs199786347, ClinGen allele CA8057812.